The following is an entry in ClinVar:

ClinVar aggregate classification (germline): Conflicting classifications of pathogenicity. Review status: criteria provided, conflicting classifications (1 of 4 stars). 3 submissions from 3 submitters: Uncertain significance (2); Likely benign (1). Last evaluated 2024-12-04.

Conditions:
Juvenile polyposis syndrome (JPS). Identifiers: Orphanet 2929, MedGen C0345893, MONDO:0017380, OMIM 174900.
Hereditary cancer-predisposing syndrome. Also called: Hereditary neoplastic syndrome; Neoplastic Syndromes, Hereditary; Tumor predisposition; Hereditary Cancer Syndrome. Identifiers: Orphanet 140162, MedGen C0027672, MeSH D009386, MONDO:0015356.

Allele frequency attached by ClinVar (database versions not stated): gnomAD exomes below 0.00001.

Submissions (3):

Ambry Genetics
Classification: Uncertain significance for Hereditary cancer-predisposing syndrome. Last evaluated: 2024-12-04. Review status: criteria provided, single submitter. Criteria: Ambry Variant Classification Scheme 2023. Collection method: clinical testing. Allele origin: germline.
Comment: The c.334-3T>C intronic variant results from a T to C substitution 3 nucleotides upstream from coding exon 4 in the BMPR1A gene. This nucleotide position is not well conserved in available vertebrate species. In silico splice site analysis predicts that this alteration will not have any significant effect on splicing. Based on the available evidence, the clinical significance of this variant remains unclear.

Myriad Genetics, Inc.
Classification: Likely benign for Juvenile polyposis syndrome. Last evaluated: 2024-08-01. Review status: criteria provided, single submitter. Criteria: Myriad Autosomal Dominant, Autosomal Recessive and X-Linked Classification Criteria (2023). Collection method: clinical testing. Allele origin: unknown.
Comment: This variant is considered likely benign. This variant is intronic and is not expected to impact mRNA splicing.

Labcorp Genetics (formerly Invitae), Labcorp
Classification: Uncertain significance for Juvenile polyposis syndrome. Last evaluated: 2024-05-15. Review status: criteria provided, single submitter. Criteria: Invitae Variant Classification Sherloc (09022015). Collection method: clinical testing. Allele origin: germline.
Comment: This sequence change falls in intron 5 of the BMPR1A gene. It does not directly change the encoded amino acid sequence of the BMPR1A protein. It affects a nucleotide within the consensus splice site. This variant is not present in population databases (gnomAD no frequency). This variant has not been reported in the literature in individuals affected with BMPR1A-related conditions. ClinVar contains an entry for this variant (Variation ID: 411646). Variants that disrupt the consensus splice site are a relatively common cause of aberrant splicing (PMID: 17576681, 9536098). Algorithms developed to predict the effect of sequence changes on RNA splicing suggest that this variant is not likely to affect RNA splicing. In summary, the available evidence is currently insufficient to determine the role of this variant in disease. Therefore, it has been classified as a Variant of Uncertain Significance.

Literature cited by the submitters: PubMed 17576681 (cited by Labcorp Genetics (formerly Invitae), Labcorp); PubMed 9536098 (cited by Labcorp Genetics (formerly Invitae), Labcorp).

NM_004329.3(BMPR1A):c.334-3T>C

Gene: BMPR1A (bone morphogenetic protein receptor type 1A; plus strand). Cytogenetic location: 10q23.2.
Variant type: single nucleotide variant.
Coding change: c.334-3T>C on transcript NM_004329.3 (MANE Select); 3 bases into the intron before coding-DNA position 334, T replaced by C.
Molecular consequence: intron variant.
Genome position (GRCh38, 1-based): chr10:86,899,791, T>C. VCF-style: chr10-86899791-T-C. GRCh37 (hg19) VCF-style: chr10-88659548-T-C.
Identifiers: ClinVar variation 411646 (VCV000411646.17), dbSNP rs1060503411, ClinGen allele CA16612868.